The following is an entry in ClinVar:

NM_152703.5(SAMD9L):c.578T>C (p.Ile193Thr)

Gene: SAMD9L (sterile alpha motif domain containing 9 like; minus strand). Cytogenetic location: 7q21.2.
Variant type: single nucleotide variant.
Coding change: c.578T>C on transcript NM_152703.5 (MANE Select); coding-DNA position 578, T replaced by C.
Protein change: p.Ile193Thr; replaces isoleucine 193 with threonine.
Molecular consequence: missense variant.
Genome position (GRCh38, 1-based): chr7:93,135,394, A>G on the plus strand (T>C on the coding strand, the complement: SAMD9L is on the minus strand). VCF-style: chr7-93135394-A-G. GRCh37 (hg19) VCF-style: chr7-92764707-A-G.
Other names: c.578T>C, p.Ile193Thr (NM_001303496.3, NM_001303497.3, NM_001303498.3 and 5 more transcripts); short protein forms I193T.
Identifiers: ClinVar variation 4630013 (VCV004630013.1).
Genomic context (GRCh38, chr7:93,135,394, plus strand): 5'-ATGTCCACTTCCGTGGCTGTTTCTGTGTTTGTGAGAGCTTTGAACTCATGTATTGGATCA[A>G]TGAGATTGAGTGCTCCTGTTTCAGGTTGTAGAGTATAATGTTCTATGTAGCGATGGCTGT-3'
Protein context (NP_689916.2, residues 183-203): LQPETGALNL[Ile193Thr]DPIHEFKALT

ClinVar aggregate classification (germline): Uncertain significance (1 of 4 stars; one submission).

Conditions:
Inborn genetic diseases. Identifiers: MedGen C0950123, MeSH D030342.

Submission:

Ambry Genetics
Classification: Uncertain significance for Inborn genetic diseases. Last evaluated: 2025-09-22. Review status: criteria provided, single submitter. Criteria: Ambry Variant Classification Scheme 2023. Collection method: clinical testing. Allele origin: germline.
Comment: The p.I193T variant (also known as c.578T>C), located in coding exon 1 of the SAMD9L gene, results from a T to C substitution at nucleotide position 578. The isoleucine at codon 193 is replaced by threonine, an amino acid with similar properties. This amino acid position is conserved. In addition, the in silico prediction for this alteration is inconclusive. Based on the available evidence, the clinical significance of this variant remains unclear.